The following is an entry in ClinVar:

ClinVar aggregate classification (germline): Uncertain significance (1 of 4 stars; one submission).

Conditions:
Long QT syndrome (LQTS). Identifiers: MedGen C0023976, MeSH D008133, MONDO:0002442. Disease mechanism: loss of function. Inheritance: Various modes of inheritance.

Allele frequency attached by ClinVar (database versions not stated): gnomAD exomes below 0.00001; gnomAD 0.00001.
gnomAD v4.1: 3 of 1,392,614 alleles (0.00022%); highest among the groups gnomAD compares: South Asian, 0.0032%; no homozygotes.

Submission:

Labcorp Genetics (formerly Invitae), Labcorp
Classification: Uncertain significance for Long QT syndrome. Last evaluated: 2023-11-17. Review status: criteria provided, single submitter. Criteria: Invitae Variant Classification Sherloc (09022015). Collection method: clinical testing. Allele origin: germline.
Comment: This sequence change replaces glutamine, which is neutral and polar, with arginine, which is basic and polar, at codon 247 of the KCNH2 protein (p.Gln247Arg). This variant is present in population databases (no rsID available, gnomAD 0.007%). This variant has not been reported in the literature in individuals affected with KCNH2-related conditions. ClinVar contains an entry for this variant (Variation ID: 1057001). An algorithm developed to predict the effect of missense changes on protein structure and function (PolyPhen-2) suggests that this variant is likely to be tolerated. In summary, the available evidence is currently insufficient to determine the role of this variant in disease. Therefore, it has been classified as a Variant of Uncertain Significance.

NM_000238.4(KCNH2):c.740A>G (p.Gln247Arg)

Gene: KCNH2 (potassium voltage-gated channel subfamily H member 2; minus strand). Cytogenetic location: 7q36.1.
Variant type: single nucleotide variant.
Coding change: c.740A>G on transcript NM_000238.4 (MANE Select); coding-DNA position 740, A replaced by G.
Protein change: p.Gln247Arg; replaces glutamine 247 with arginine.
Molecular consequence: missense variant.
Genome position (GRCh38, 1-based): chr7:150,958,235, T>C on the plus strand (A>G on the coding strand, the complement: KCNH2 is on the minus strand). VCF-style: chr7-150958235-T-C. GRCh37 (hg19) VCF-style: chr7-150655323-T-C.
Other names: c.452A>G, p.Gln151Arg (NM_001406753.1, NM_001406756.1); c.563A>G, p.Gln188Arg (NM_001406755.1); c.440A>G, p.Gln147Arg (NM_001406757.1); c.740A>G, p.Gln247Arg (NM_172056.3); short protein forms Q247R, Q147R, Q151R, Q188R.
Identifiers: ClinVar variation 1057001 (VCV001057001.10), dbSNP rs1271246335, ClinGen allele CA369862671.
Genomic context (GRCh38, chr7:150,958,235, plus strand): 5'-AGGCTGCAGCTGGAGCCCGAGGCGTCGGGGTTGAGGCTGTGCGCCCGGGGCGATGGGAGC[T>C]GGCCGGGCGCGCTGCGGGGCGGAGAGCCGGGACCCACCAGCGCACGCCGCTCCTCCGCGG-3'
Protein context (NP_000229.1, residues 237-257): PGSPPRSAPG[Gln247Arg]LPSPRAHSLN